The following is an entry in ClinVar:

NM_000410.4(HFE):c.781G>T (p.Asp261Tyr)

Gene: HFE (homeostatic iron regulator; plus strand). Cytogenetic location: 6p22.2.
Variant type: single nucleotide variant.
Coding change: c.781G>T on transcript NM_000410.4 (MANE Select); coding-DNA position 781, G replaced by T.
Protein change: p.Asp261Tyr; replaces aspartic acid 261 with tyrosine.
Molecular consequence: missense variant. On other transcripts: intron variant (1).
Genome position (GRCh38, 1-based): chr6:26,092,849, G>T. VCF-style: chr6-26092849-G-T. GRCh37 (hg19) VCF-style: chr6-26093077-G-T.
Other names: c.781G>T, p.Asp261Tyr (NM_001300749.3, NM_001384164.1); c.772G>T, p.Asp258Tyr (NM_001406751.1); c.517G>T, p.Asp173Tyr (NM_001406752.1, NM_139007.3); c.463G>T, p.Asp155Tyr (NM_139003.3); c.505G>T, p.Asp169Tyr (NM_139004.3); c.739G>T, p.Asp247Tyr (NM_139006.3); c.475G>T, p.Asp159Tyr (NM_139008.3); c.712G>T, p.Asp238Tyr (NM_139009.3); and 2 more; short protein forms D258Y, D261Y, D169Y, D247Y, D159Y, D173Y, D238Y, D155Y.
Identifiers: ClinVar variation 4996582 (VCV004996582.1).
Genomic context (GRCh38, chr6:26,092,849, plus strand): 5'-AAGGATAAGCAGCCAATGGATGCCAAGGAGTTCGAACCTAAAGACGTATTGCCCAATGGG[G>T]ATGGGACCTACCAGGGCTGGATAACCTTGGCTGTACCCCCTGGGGAAGAGCAGAGATATA-3'
Protein context (NP_000401.1, residues 251-271): FEPKDVLPNG[Asp261Tyr]GTYQGWITLA

ClinVar aggregate classification (germline): Uncertain significance (1 of 4 stars; one submission).

Conditions:
HFE-related disorder. Also called: HFE-related condition.

gnomAD v4.1: 1 of 1,614,234 alleles (0.000062%); highest among the groups gnomAD compares: Non-Finnish European, 0.000085%; no homozygotes.

Submission:

PreventionGenetics, part of Exact Sciences
Classification: Uncertain significance for HFE-related condition. Last evaluated: 2026-01-26. Review status: criteria provided, single submitter. Criteria: ACMG Guidelines, 2015. Collection method: clinical testing. Allele origin: germline.
Comment: The HFE c.781G>T variant is predicted to result in the amino acid substitution p.Asp261Tyr. To our knowledge, this variant has not been reported in the literature or in a large population database (gnomAD), indicating this variant is rare. At this time, the clinical significance of this variant is uncertain due to the absence of conclusive functional and genetic evidence.